The following is an entry in ClinVar:

ClinVar aggregate classification (germline): Benign (0 of 4 stars; one submission).

Conditions:
MUC16-related disorder. Also called: MUC16-related condition.

Allele frequency attached by ClinVar (database versions not stated): ESP Exome Variant Server 0.14342; gnomAD 0.16323; TOPMed 0.16372; gnomAD exomes 0.18525; 1000 Genomes Project 30x 0.18676; 1000 Genomes Project 0.18990; ExAC 0.19564.

Submission:

PreventionGenetics, part of Exact Sciences
Classification: Benign for MUC16-related condition. Last evaluated: 2019-10-18. Review status: no assertion criteria provided. Collection method: clinical testing. Allele origin: germline.
Comment: This variant is classified as benign based on ACMG/AMP sequence variant interpretation guidelines (Richards et al. 2015 PMID: 25741868, with internal and published modifications).

NM_001401501.2(MUC16):c.4177C>T (p.His1393Tyr)

Gene: MUC16 (mucin 16, cell surface associated; minus strand). Cytogenetic location: 19p13.2.
Variant type: single nucleotide variant.
Coding change: c.4177C>T on transcript NM_001401501.2 (MANE Select); coding-DNA position 4177, C replaced by T.
Protein change: p.His1393Tyr; replaces histidine 1393 with tyrosine.
Molecular consequence: missense variant.
Genome position (GRCh38, 1-based): chr19:8,977,082, G>A on the plus strand (C>T on the coding strand, the complement: MUC16 is on the minus strand). VCF-style: chr19-8977082-G-A. GRCh37 (hg19) VCF-style: chr19-9087758-G-A.
Other names: c.4603C>T, p.His1535Tyr (NM_001414686.1); c.4057C>T, p.His1353Tyr (NM_001414687.1, NM_024690.2); short protein forms H1353Y, H1393Y, H1535Y.
Identifiers: ClinVar variation 3060843 (VCV003060843.2), dbSNP rs12611293, ClinGen allele CA9172889.